The following is an entry in ClinVar:

ClinVar aggregate classification (germline): Pathogenic/Likely pathogenic. Review status: criteria provided, multiple submitters, no conflicts (2 of 4 stars). 13 submissions from 13 submitters: Pathogenic (3); Likely pathogenic (6). 4 of the submissions do not count toward it. Last evaluated 2026-06-10.

Conditions:
Hereditary breast ovarian cancer syndrome. Also called: Hereditary breast and ovarian cancer syndrome (HBOC); Hereditary breast and ovarian cancer syndrome; Breast and ovarian cancer; Hereditary breast and ovarian cancer; Hereditary breast and/or ovarian cancer syndrome; BRCA1- and BRCA2-Associated Hereditary Breast and Ovarian Cancer. Identifiers: Orphanet 145, MedGen C0677776, MeSH D061325, MONDO:0003582. Disease mechanism: loss of function.
Fanconi anemia complementation group D1. Also called: BRCA2-Related Fanconi Anemia. Identifiers: Orphanet 319462, MedGen C1838457, MONDO:0011584, OMIM 605724.
BRCA2-related disorder. Also called: BRCA2-related condition; BRCA2-related disorders. Identifiers: MedGen CN239275.
Hereditary cancer-predisposing syndrome. Also called: Neoplastic Syndromes, Hereditary; Tumor predisposition; Hereditary neoplastic syndrome; Hereditary Cancer Syndrome. Identifiers: Orphanet 140162, MedGen C0027672, MeSH D009386, MONDO:0015356.
Fanconi anemia (FA). Also called: Fanconi's anemia. Identifiers: Orphanet 84, MedGen C0015625, MeSH D005199, MONDO:0019391.
Breast-ovarian cancer, familial, susceptibility to, 2 (BROVCA2). Also called: BRCA2 Hereditary Breast and Ovarian Cancer. Identifiers: Orphanet 145, MedGen C2675520, MONDO:0012933, OMIM 612555. Disease mechanism: loss of function.
Familial cancer of breast. Also called: Hereditary breast cancer; BREAST CANCER, FAMILIAL; hereditary breast carcinoma. Identifiers: Orphanet 227535, MedGen C0346153, MONDO:0016419, OMIM 114480. Disease mechanism: loss of function.
Cerebral palsy. Identifiers: MedGen C0007789, MONDO:0006497, HP:0100021.
Hearing impairment. Also called: Impaired Hearing. Identifiers: MedGen C1384666, MONDO:0005365, HP:0000365.
Neurodevelopmental delay. Identifiers: MedGen C4022738, HP:0012758.
Malignant tumor of breast. Also called: Malignant breast neoplasm; Cancer breast. Identifiers: MedGen C0006142, MONDO:0007254. Disease mechanism: loss of function.

gnomAD v4.1: 2 of 1,609,568 alleles (0.00012%); highest among the groups gnomAD compares: Non-Finnish European, 0.00017%; no homozygotes.

Submissions 1 to 7 of 13:

Women's Health and Genetics/Laboratory Corporation of America, LabCorp
Classification: Likely pathogenic for Fanconi anemia. Last evaluated: 2026-06-10. Review status: criteria provided, single submitter. Criteria: LabCorp Variant Classification Summary - May 2015. Collection method: clinical testing. Allele origin: germline.
Comment: Variant summary: BRCA2 c.8487+3A>G alters a nucleotide located close to a canonical splice site and therefore could affect mRNA splicing, leading to a significantly altered protein sequence. Several computational tools predict a significant impact on normal splicing: Three predict the variant weakens a 5' donor site. One predicts the variant strengthens a cryptic 3' acceptor site. One predicts the variant abolishes a cryptic 5' donor site. At least one publication reports experimental evidence that this variant affects mRNA splicing, demonstrating in frame exon 19 skipping, which is expected to be pathogenic (at least one variant within the deleted region (c.8350C>T, p.Arg2784Trp) has been classified as Pathogenic/Likely Pathogenic by our lab) (Acedo_2012). The variant was absent in 251060 control chromosomes. c.8487+3A>G has been observed in multiple individuals with homozygous or compound heterozygous genotype affected with autosomal recessive Fanconi Anemia (e.g. Radulovic_2023, Johnatty_2025, Chandrasekharappa_2013, Myers_2012). These data indicate that the variant is likely to be associated with disease. The following publications have been ascertained in the context of this evaluation (PMID: 22632462, 23613520, 24301060, 19530235, 41172994, 24259538, 21548014, 36721989, 27376475). ClinVar contains an entry for this variant (Variation ID: 52603). Based on the evidence outlined above, the variant was classified as likely pathogenic for both autosomal dominant and autosomal recessive BRCA2 related disorders.

Labcorp Genetics (formerly Invitae), Labcorp
Classification: Likely pathogenic for Hereditary breast ovarian cancer syndrome. Last evaluated: 2025-12-28. Review status: criteria provided, single submitter. Criteria: Invitae Variant Classification Sherloc (09022015). Collection method: clinical testing. Allele origin: germline.
Comment: This sequence change falls in intron 19 of the BRCA2 gene. It does not directly change the encoded amino acid sequence of the BRCA2 protein. RNA analysis indicates that this variant induces altered splicing and likely results in a shortened protein product. This variant is not present in population databases (gnomAD no frequency). This variant has been observed in individual(s) with Fanconi anemia and/or hereditary breast and ovarian cancer (PMID: 21548014, 23613520, 27376475). In at least one individual the data is consistent with being in trans (on the opposite chromosome) from a pathogenic variant. This variant is also known as IVS19+3A>G. ClinVar contains an entry for this variant (Variation ID: 52603). Variants that disrupt the consensus splice site are a relatively common cause of aberrant splicing (PMID: 17576681, 9536098). Studies have shown that this variant results in skipping of exon 19, but is expected to preserve the integrity of the reading-frame (PMID: 22632462). In summary, the currently available evidence indicates that the variant is pathogenic, but additional data are needed to prove that conclusively. Therefore, this variant has been classified as Likely Pathogenic.

Variantyx, Inc.
Classification: Pathogenic for Breast-ovarian cancer, familial, susceptibility to, 2. Last evaluated: 2025-05-22. Review status: criteria provided, single submitter. Criteria: Variantyx Assertion Criteria 2022. Collection method: clinical testing. Allele origin: germline. Inheritance: Autosomal dominant inheritance. Affected: yes.
Comment: This is a canonical splicing variant in the BRCA2 gene (OMIM: 600185). Pathogenic variants in this gene have been associated with autosomal dominant susceptibility to BRCA2-related cancer types. This variant has been reported in individuals with hereditary breast and/or ovarian cancer (PMID: 27376475) and in the compound heterozygous state with another inactivating variant in a child affected with Fanconi anemia with a family history of ovarian and pancreatic cancers (PMID:21548014). Functional analysis has shown that this variant results ini skipping of exon 19 that encodes the critical DNA binding domain resulting in a loss of function (PMID: 22632462) (PS3). This variant has a 0.0002% maximum allele frequency in non-founder control populations (PM2). Based on the current evidence, this variant is classified as pathogenic for autosomal dominant susceptibility to BRCA2-related cancer types.

Color Diagnostics, LLC DBA Color Health
Classification: Pathogenic for Hereditary cancer-predisposing syndrome. Last evaluated: 2024-01-03. Review status: criteria provided, single submitter. Criteria: ACMG Guidelines, 2015. Collection method: clinical testing. Allele origin: germline.
Comment: This variant causes an A to G nucleotide substitution at the +3 position of intron 19 splice donor site of the BRCA2 gene. Splice site prediction tools predict that this variant may have a significant impact on RNA splicing. Multiple RNA studies have shown that this variant causes an in-frame skipping of exon 19 that encodes DNA binding domain (PMID: 22632462; ClinVar SCV000668580.3, SCV001446381.1). This variant has been reported in individuals affected with hereditary breast and/or ovarian cancer (PMID: 27376475, Color internal data). This variant has also been observed in compound heterozygous state with c.3264dupT in a child affected with Fanconi anemia with family history of ovarian and pancreatic cancers (PMID: 21548014) and in homozygosity in an unrelated child affected with Fanconi anemia (ClinVar SCV001446381.1, communication with an external laboratory). This variant has not been identified in the general population by the Genome Aggregation Database (gnomAD). Loss of BRCA2 function is a known mechanism of disease. Based on the available evidence, this variant is classified as Pathogenic.

Baylor Genetics
Classification: Likely pathogenic for Familial cancer of breast. Last evaluated: 2023-11-02. Review status: criteria provided, single submitter. Criteria: ACMG Guidelines, 2015. Collection method: clinical testing. Allele origin: unknown.

Ambry Genetics
Classification: Pathogenic for Hereditary cancer-predisposing syndrome. Last evaluated: 2023-09-07. Review status: criteria provided, single submitter. Criteria: Ambry Variant Classification Scheme 2023. Collection method: clinical testing. Allele origin: germline.
Comment: The c.8487+3A>G intronic variant results from an A to G substitution 3 nucleotides after coding exon 18 in the BRCA2 gene. This nucleotide position is well conserved in available vertebrate species. RNA analyses have found that this alteration causes aberrant splicing leading to skipping of coding exon 18 (Ambry internal data; Acedo A et al. Breast Cancer Res. 2012 May 25;14(3):R87). In silico splice site analysis predicts that this alteration will weaken the native splice donor site. This variant is considered to be rare based on population cohorts in the Genome Aggregation Database (gnomAD). Based on the supporting evidence, this alteration is interpreted as a disease-causing mutation. However, because this variant is identified in one or more patients with Fanconi Anemia it may be hypomorphic and thus, carriers of this variant and their families may present with reduced risks, and not with the typical clinical characteristics of a high-risk pathogenic BRCA2 alteration. As risk estimates are unknown at this time, clinical correlation is advised.

Quest Diagnostics Nichols Institute San Juan Capistrano
Classification: Likely pathogenic. Last evaluated: 2020-12-04. Review status: criteria provided, single submitter. Criteria: Quest Diagnostics criteria. Collection method: clinical testing. Allele origin: unknown.
Comment: This variant has been reported in an individual with Fanconi Anemia type D1 in the published literature (PMIDs: 19530235 (2009), 21548014 (2012) and 23613520 (2013)). Analysis of this variant using software algorithms for the prediction of the effect of nucleotide changes on BRCA2 mRNA splicing yielded inconclusive predictions. A splicing functional assay, however, showed that this variant results in exon 19 skipping and a significant reduction of the canonical transcript (PMID: 22632462 (2012)). This variant has not been reported in large, multi-ethnic general populations. Therefore, we predict that this variant is likely pathogenic.

NM_000059.4(BRCA2):c.8487+3A>G

Gene: BRCA2 (BRCA2 DNA repair associated; plus strand). Cytogenetic location: 13q13.1.
Variant type: single nucleotide variant.
Coding change: c.8487+3A>G on transcript NM_000059.4 (MANE Select); 3 bases into the intron after coding-DNA position 8487, A replaced by G.
Molecular consequence: intron variant.
Genome position (GRCh38, 1-based): chr13:32,370,560, A>G. VCF-style: chr13-32370560-A-G. GRCh37 (hg19) VCF-style: chr13-32944697-A-G.
Other names: IVS19+3A>G.
Identifiers: ClinVar variation 52603 (VCV000052603.36), dbSNP rs81002806, ClinGen allele CA025672.